The following is an entry in ClinVar:

NM_001166108.2(PALLD):c.742G>A (p.Asp248Asn)

Gene: PALLD (palladin, cytoskeletal associated protein; plus strand). Cytogenetic location: 4q32.3.
Variant type: single nucleotide variant.
Coding change: c.742G>A on transcript NM_001166108.2 (MANE Select); coding-DNA position 742, G replaced by A.
Protein change: p.Asp248Asn; replaces aspartic acid 248 with asparagine.
Molecular consequence: missense variant.
Genome position (GRCh38, 1-based): chr4:168,512,246, G>A. VCF-style: chr4-168512246-G-A. GRCh37 (hg19) VCF-style: chr4-169433397-G-A.
Other names: c.742G>A, p.Asp248Asn (NM_016081.4); short protein forms D248N.
Identifiers: ClinVar variation 1758876 (VCV001758876.3), dbSNP rs1265777033, ClinGen allele CA358728175.
Genomic context (GRCh38, chr4:168,512,246, plus strand): 5'-GGGGAGATGGAAAGAGAGGTCAAGTCCCCTGGGGCCAGGCATTGCTACCAGGACAACCAG[G>A]ACTTGGCAGTGCCACACAACCGCAAGTCTCACCCACAGCCCCACAGCGCCCTCCACTTCC-3'
Protein context (NP_001159580.1, residues 238-258): GARHCYQDNQ[Asp248Asn]LAVPHNRKSH

ClinVar aggregate classification (germline): Uncertain significance (1 of 4 stars; one submission).

Allele frequency attached by ClinVar (database versions not stated): gnomAD exomes below 0.00001; gnomAD 0.00001; TOPMed 0.00001.
gnomAD v4.1: 3 of 1,613,946 alleles (0.00019%); highest among the groups gnomAD compares: Non-Finnish European, 0.00025%; no homozygotes.

Submission:

Ambry Genetics
Classification: Uncertain significance. Last evaluated: 2024-06-21. Review status: criteria provided, single submitter. Criteria: Ambry Variant Classification Scheme 2023. Collection method: clinical testing. Allele origin: germline.
Comment: The p.D248N variant (also known as c.742G>A), located in coding exon 1 of the PALLD gene, results from a G to A substitution at nucleotide position 742. The aspartic acid at codon 248 is replaced by asparagine, an amino acid with highly similar properties. This amino acid position is conserved. In addition, this alteration is predicted to be tolerated by in silico analysis. Since supporting evidence is limited at this time, the clinical significance of this alteration remains unclear.